The following is an entry in ClinVar:

NM_014629.4(ARHGEF10):c.2597A>G (p.Gln866Arg)

Gene: ARHGEF10 (Rho guanine nucleotide exchange factor 10; plus strand). Cytogenetic location: 8p23.3.
Variant type: single nucleotide variant.
Coding change: c.2597A>G on transcript NM_014629.4 (MANE Select); coding-DNA position 2597, A replaced by G.
Protein change: p.Gln866Arg; replaces glutamine 866 with arginine.
Molecular consequence: missense variant.
Genome position (GRCh38, 1-based): chr8:1,925,391, A>G. VCF-style: chr8-1925391-A-G. GRCh37 (hg19) VCF-style: chr8-1873557-A-G.
Other names: c.2483A>G, p.Gln828Arg (NM_001308152.2); c.2597A>G, p.Gln866Arg (NM_001308153.3); short protein forms Q828R, Q866R, Q890R.
Identifiers: ClinVar variation 1711668 (VCV001711668.31), dbSNP rs1812609899, ClinGen allele CA369966686.

ClinVar aggregate classification (germline): Uncertain significance. Review status: criteria provided, multiple submitters, no conflicts (2 of 4 stars). 2 submissions from 2 submitters: Uncertain significance (2). Last evaluated 2024-11-25.

Allele frequency attached by ClinVar (database versions not stated): TOPMed below 0.00001.
gnomAD v4.1: 1 of 1,614,124 alleles (0.000062%); highest among the groups gnomAD compares: Non-Finnish European, 0.000085%; no homozygotes.

Submissions (2):

Ambry Genetics
Classification: Uncertain significance. Last evaluated: 2024-11-25. Review status: criteria provided, single submitter. Criteria: Ambry Variant Classification Scheme 2023. Collection method: clinical testing. Allele origin: germline.

CeGaT Center for Human Genetics Tuebingen
Classification: Uncertain significance. Last evaluated: 2022-08-01. Review status: criteria provided, single submitter. Criteria: CeGaT Center For Human Genetics Tuebingen Variant Classification Criteria Version 2. Collection method: clinical testing. Allele origin: germline. Affected: yes. Observed: 1 variant allele.
Comment: ARHGEF10: PM2, BP4